The following is an entry in ClinVar:

NM_144573.4(NEXN):c.2012T>C (p.Ile671Thr)

Gene: NEXN (nexilin F-actin binding protein; plus strand). Cytogenetic location: 1p31.1.
Variant type: single nucleotide variant.
Coding change: c.2012T>C on transcript NM_144573.4 (MANE Select); coding-DNA position 2012, T replaced by C.
Protein change: p.Ile671Thr; replaces isoleucine 671 with threonine.
Molecular consequence: missense variant.
Genome position (GRCh38, 1-based): chr1:77,942,813, T>C. VCF-style: chr1-77942813-T-C. GRCh37 (hg19) VCF-style: chr1-78408498-T-C.
Other names: c.1820T>C, p.Ile607Thr (NM_001172309.2); short protein forms I671T, I607T.
Identifiers: ClinVar variation 518918 (VCV000518918.17), dbSNP rs747781785, ClinGen allele CA919020.

ClinVar aggregate classification (germline): Uncertain significance. Review status: criteria provided, multiple submitters, no conflicts (2 of 4 stars). 4 submissions from 4 submitters: Uncertain significance (4). Last evaluated 2026-06-01.

Conditions:
Cardiovascular phenotype. Identifiers: MedGen CN230736.
Hypertrophic cardiomyopathy 20. Identifiers: MedGen C3151267, MONDO:0013477, OMIM 613876.
Dilated cardiomyopathy 1CC (CMD1CC). Identifiers: Orphanet 154, MedGen C2751084, MONDO:0013147, OMIM 613122.

Allele frequency attached by ClinVar (database versions not stated): gnomAD exomes 0.00001 and 0.00002; ExAC 0.00002; TOPMed 0.00002; gnomAD 0.00005 and 0.00006.
gnomAD v4.1: 25 of 1,609,058 alleles (0.0016%); highest among the groups gnomAD compares: Admixed American, 0.015%; no homozygotes.

Submissions (4):

CeGaT Center for Human Genetics Tuebingen
Classification: Uncertain significance. Last evaluated: 2026-06-01. Review status: criteria provided, single submitter. Criteria: CeGaT Center For Human Genetics Tuebingen Variant Classification Criteria Version 2. Collection method: clinical testing. Allele origin: germline. Affected: yes. Observed: 1 variant allele.
Comment: NEXN: PM2, PS4:Supporting

Ambry Genetics
Classification: Uncertain significance for Cardiovascular phenotype. Last evaluated: 2023-11-14. Review status: criteria provided, single submitter. Criteria: Ambry Variant Classification Scheme 2023. Collection method: clinical testing. Allele origin: germline.
Comment: The p.I671T variant (also known as c.2012T>C), located in coding exon 12 of the NEXN gene, results from a T to C substitution at nucleotide position 2012. The isoleucine at codon 671 is replaced by threonine, an amino acid with similar properties. This variant has been detected in individuals from cohorts with dilated cardiomyopathy and noncompaction cardiomyopathy; however, clinical details were limited and variants in other cardiac-related genes were also detected (van Lint FHM et al. Neth Heart J, 2019 Jun;27:304-309; Richard P et al. Clin Genet, 2019 Mar;95:356-367; Cambon-Viala M et al. J Card Fail, 2021 Jun;27:677-681). This amino acid position is highly conserved in available vertebrate species. In addition, this alteration is predicted to be deleterious by in silico analysis. Since supporting evidence is limited at this time, the clinical significance of this alteration remains unclear.

Labcorp Genetics (formerly Invitae), Labcorp
Classification: Uncertain significance for Dilated cardiomyopathy 1CC; Hypertrophic cardiomyopathy 20. Last evaluated: 2022-05-31. Review status: criteria provided, single submitter. Criteria: Invitae Variant Classification Sherloc (09022015). Collection method: clinical testing. Allele origin: germline.
Comment: This sequence change replaces isoleucine, which is neutral and non-polar, with threonine, which is neutral and polar, at codon 671 of the NEXN protein (p.Ile671Thr). In summary, the available evidence is currently insufficient to determine the role of this variant in disease. Therefore, it has been classified as a Variant of Uncertain Significance. Algorithms developed to predict the effect of missense changes on protein structure and function are either unavailable or do not agree on the potential impact of this missense change (SIFT: "Deleterious"; PolyPhen-2: "Probably Damaging"; Align-GVGD: "Class C0"). ClinVar contains an entry for this variant (Variation ID: 518918). This missense change has been observed in individual(s) with left ventricular non-compaction (PMID: 30471092). This variant is present in population databases (rs747781785, gnomAD 0.02%).

Fulgent Genetics
Classification: Uncertain significance for Dilated cardiomyopathy 1CC; Hypertrophic cardiomyopathy 20. Last evaluated: 2021-08-18. Review status: criteria provided, single submitter. Criteria: ACMG Guidelines, 2015. Collection method: clinical testing. Allele origin: unknown.

Literature cited by the submitters: PubMed 30471092 (cited by Ambry Genetics and Labcorp Genetics (formerly Invitae), Labcorp); PubMed 30847666 (cited by Ambry Genetics); PubMed 34088380 (cited by Ambry Genetics).